The following is an entry in ClinVar:

NM_024027.5(COLEC11):c.581C>T (p.Ala194Val)

Gene: COLEC11 (collectin subfamily member 11; plus strand). Cytogenetic location: 2p25.3.
Variant type: single nucleotide variant.
Coding change: c.581C>T on transcript NM_024027.5 (MANE Select); coding-DNA position 581, C replaced by T.
Protein change: p.Ala194Val; replaces alanine 194 with valine.
Molecular consequence: missense variant. On other transcripts: non-coding transcript variant (1).
Genome position (GRCh38, 1-based): chr2:3,643,883, C>T. VCF-style: chr2-3643883-C-T. GRCh37 (hg19) VCF-style: chr2-3691473-C-T.
Other names: c.509C>T, p.Ala170Val (NM_001255982.2, NM_001255983.2); c.437C>T, p.Ala146Val (NM_001255984.2); c.623C>T, p.Ala208Val (NM_001255985.1); c.503C>T, p.Ala168Val (NM_001255986.1); c.431C>T, p.Ala144Val (NM_001255987.1, NM_001255988.1); c.359C>T, p.Ala120Val (NM_001255989.1); c.572C>T, p.Ala191Val (NM_199235.3); c.581C>T (NM_024027.3); short protein forms A144V, A146V, A170V, A168V, A191V, A208V, A120V, A194V.
Identifiers: ClinVar variation 2164095 (VCV002164095.5), dbSNP rs139848694, ClinGen allele CA1517108.

ClinVar aggregate classification (germline): Uncertain significance. Review status: criteria provided, multiple submitters, no conflicts (2 of 4 stars). 3 submissions from 3 submitters: Uncertain significance (3). Last evaluated 2025-02-04.

Conditions:
Inborn genetic diseases. Identifiers: MedGen C0950123, MeSH D030342.

Allele frequency attached by ClinVar (database versions not stated): gnomAD exomes 0.00022; ESP Exome Variant Server 0.00023; gnomAD 0.00025; TOPMed 0.00026; ExAC 0.00031.
gnomAD v4.1: 362 of 1,613,644 alleles (0.022%); highest among the groups gnomAD compares: Admixed American, 0.032%; no homozygotes.

Submissions (3):

Labcorp Genetics (formerly Invitae), Labcorp
Classification: Uncertain significance. Last evaluated: 2025-02-04. Review status: criteria provided, single submitter. Criteria: Invitae Variant Classification Sherloc (09022015). Collection method: clinical testing. Allele origin: germline.
Comment: This sequence change replaces alanine, which is neutral and non-polar, with valine, which is neutral and non-polar, at codon 194 of the COLEC11 protein (p.Ala194Val). This variant is present in population databases (rs139848694, gnomAD 0.04%). This variant has not been reported in the literature in individuals affected with COLEC11-related conditions. ClinVar contains an entry for this variant (Variation ID: 2164095). Invitae Evidence Modeling of protein sequence and biophysical properties (such as structural, functional, and spatial information, amino acid conservation, physicochemical variation, residue mobility, and thermodynamic stability) indicates that this missense variant is not expected to disrupt COLEC11 protein function with a negative predictive value of 80%. In summary, the available evidence is currently insufficient to determine the role of this variant in disease. Therefore, it has been classified as a Variant of Uncertain Significance.

Blueprint Genetics
Classification: Uncertain significance. Last evaluated: 2024-07-05. Review status: criteria provided, single submitter. Criteria: ACMG Guidelines, 2015. Collection method: clinical testing. Allele origin: germline.

Ambry Genetics
Classification: Uncertain significance for Inborn genetic diseases. Last evaluated: 2022-08-26. Review status: criteria provided, single submitter. Criteria: Ambry Variant Classification Scheme 2023. Collection method: clinical testing. Allele origin: germline.